The following is an entry in ClinVar:

ClinVar aggregate classification (germline): Pathogenic/Likely pathogenic. Review status: criteria provided, multiple submitters, no conflicts (2 of 4 stars). 2 submissions from 2 submitters: Pathogenic (1); Likely pathogenic (1). Last evaluated 2025-09-10.

Conditions:
Familial hemophagocytic lymphohistiocytosis 3 (FHL3). Also called: UNC13D-Related Familial Hemophagocytic Lymphohistiocytosis (UNC13D-fHLH). Identifiers: Orphanet 540, MedGen C1837174, MONDO:0012146, OMIM 608898.

Submissions (2):

Genomic Medicine Center of Excellence, King Faisal Specialist Hospital and Research Centre
Classification: Pathogenic for Familial hemophagocytic lymphohistiocytosis 3. Last evaluated: 2025-09-10. Review status: criteria provided, single submitter. Criteria: ACMG Guidelines, 2015. Collection method: clinical testing. Allele origin: germline.

Labcorp Genetics (formerly Invitae), Labcorp
Classification: Likely pathogenic for Familial hemophagocytic lymphohistiocytosis 3. Last evaluated: 2023-12-31. Review status: criteria provided, single submitter. Criteria: Invitae Variant Classification Sherloc (09022015). Collection method: clinical testing. Allele origin: germline.
Comment: This sequence change affects a donor splice site in intron 20 of the UNC13D gene. It is expected to disrupt RNA splicing. Variants that disrupt the donor or acceptor splice site typically lead to a loss of protein function (PMID: 16199547), and loss-of-function variants in UNC13D are known to be pathogenic (PMID: 14622600). This variant is not present in population databases (gnomAD no frequency). Disruption of this splice site has been observed in individual(s) with UNC13D-related conditions (PMID: 24470399, 32542393). Algorithms developed to predict the effect of sequence changes on RNA splicing suggest that this variant may disrupt the consensus splice site. In summary, the currently available evidence indicates that the variant is pathogenic, but additional data are needed to prove that conclusively. Therefore, this variant has been classified as Likely Pathogenic.

Literature cited by the submitters: PubMed 16199547 (cited by Labcorp Genetics (formerly Invitae), Labcorp); PubMed 14622600 (cited by Labcorp Genetics (formerly Invitae), Labcorp); PubMed 24470399 (cited by Labcorp Genetics (formerly Invitae), Labcorp); PubMed 32542393 (cited by Labcorp Genetics (formerly Invitae), Labcorp).

NM_199242.3(UNC13D):c.1848+1G>A

Gene: UNC13D (unc-13 homolog D; minus strand). Cytogenetic location: 17q25.1.
Variant type: single nucleotide variant.
Coding change: c.1848+1G>A on transcript NM_199242.3 (MANE Select); the canonical splice donor site of the intron after coding-DNA position 1848, G replaced by A.
Molecular consequence: splice donor variant.
Genome position (GRCh38, 1-based): chr17:75,835,408, C>T on the plus strand (G>A on the coding strand, the complement: UNC13D is on the minus strand). VCF-style: chr17-75835408-C-T. GRCh37 (hg19) VCF-style: chr17-73831489-C-T.
Other names: c.1848+1G>A (NM_199242.2).
Identifiers: ClinVar variation 3019766 (VCV003019766.4), dbSNP rs2545981250, ClinGen allele CA401092035.
Genomic context (GRCh38, chr17:75,835,408, plus strand): 5'-GCAGAACCCAAGCCTCACCCCCAAACCGGGGCCCCGCCCCCTGCCCTGGCCACGCCCCCA[C>T]CTCATCCATCTGCACAGCGCGCTGCACCCGCGCCAGGGCCTCGTTGTACGTCTTCTGCAG-3'